The following is an entry in ClinVar:

NM_020987.5(ANK3):c.9962A>G (p.Glu3321Gly)

Gene: ANK3 (ankyrin 3; minus strand). Cytogenetic location: 10q21.2.
Variant type: single nucleotide variant.
Coding change: c.9962A>G on transcript NM_020987.5 (MANE Select); coding-DNA position 9962, A replaced by G.
Protein change: p.Glu3321Gly; replaces glutamic acid 3321 with glycine.
Molecular consequence: missense variant. On other transcripts: intron variant (4).
Genome position (GRCh38, 1-based): chr10:60,070,919, T>C on the plus strand (A>G on the coding strand, the complement: ANK3 is on the minus strand). VCF-style: chr10-60070919-T-C. GRCh37 (hg19) VCF-style: chr10-61830677-T-C.
Other names: c.9962A>G (NM_020987.4); c.4388-2910A>G (NM_001204403.2); c.4409-2910A>G (NM_001204404.2); c.4406-2910A>G (NM_001320874.2); c.1808-2910A>G (NM_001149.4); short protein forms E3321G.
Identifiers: ClinVar variation 1675418 (VCV001675418.34), dbSNP rs140902380, ClinGen allele CA5511305.

ClinVar aggregate classification (germline): Uncertain significance. Review status: criteria provided, multiple submitters, no conflicts (2 of 4 stars). 2 submissions from 2 submitters: Uncertain significance (2). Last evaluated 2024-10-10.

Conditions:
Intellectual developmental disorder, autosomal recessive 37. Also called: Intellectual disability-hypotonia-spasticity-sleep disorder syndrome. Identifiers: Orphanet 356996, MedGen C3809672, MONDO:0014210, OMIM 615493.

Allele frequency attached by ClinVar (database versions not stated): TOPMed 0.00001; gnomAD exomes 0.00002 and 0.00003; ESP Exome Variant Server 0.00008; ExAC 0.00001; gnomAD 0.00001.
gnomAD v4.1: 42 of 1,613,956 alleles (0.0026%); highest among the groups gnomAD compares: Non-Finnish European, 0.0034%; no homozygotes.

Submissions (2):

Victorian Clinical Genetics Services, Murdoch Childrens Research Institute
Classification: Uncertain significance for Intellectual developmental disorder, autosomal recessive 37. Last evaluated: 2024-10-10. Review status: criteria provided, single submitter. Criteria: ACMG Guidelines, 2015. Collection method: clinical testing. Allele origin: germline. Inheritance: Autosomal recessive inheritance. Affected: yes.
Comment: Based on the classification scheme VCGS_Germline_v1.3.5, this variant is classified as VUS-3B. Following criteria are met: 0102 - Loss of function is a known mechanism of disease in this gene and is associated with intellectual developmental disorder 37 (MIM#615493). (I) 0108 - This gene is associated with both recessive and dominant disease (PMID: 23390136, 26539891, 28687526, 34218362). (I) 0200 - Variant is predicted to result in a missense amino acid change from glutamic acid to glycine. (I) 0219 - This variant is non-coding in an all other alternative transcripts. However, pathogenic variants have been previously reported in this exon. (I) 0251 - This variant is heterozygous. (I) 0304 - Variant is present in gnomAD <0.01 (v4) (42 heterozygotes, 0 homozygotes). (SP) 0309 - An alternative amino acid change at the same position has been observed in gnomAD (v4; 15 heterozygotes, 0 homozygotes). (I) 0502 - Missense variant with conflicting in silico predictions and uninformative conservation. (I) 0604 - Variant is not located in an established domain, motif, hotspot or informative constraint region. (I) 0710 - Another missense variant comparable to the one identified in this case has inconclusive previous evidence for pathogenicity. p.(Glu3321Asp) has been reported once as likely-benign however no evidence was provided for this submission (ClinVar). (I) 0809 - Previous evidence of pathogenicity for this variant is inconclusive. This variant has been reported as a VUS once (ClinVar). (I) 0905 - No published segregation evidence has been identified for this variant. (I) 1007 - No published functional evidence has been identified for this variant. (I) Legend: (SP) - Supporting pathogenic, (I) - Information, (SB) - Supporting benign

CeGaT Center for Human Genetics Tuebingen
Classification: Uncertain significance. Last evaluated: 2022-02-01. Review status: criteria provided, single submitter. Criteria: CeGaT Center For Human Genetics Tuebingen Variant Classification Criteria Version 2. Collection method: clinical testing. Allele origin: germline. Affected: yes. Observed: 1 variant allele.

Literature cited by the submitters: PubMed 23390136 (cited by Victorian Clinical Genetics Services, Murdoch Childrens Research Institute); PubMed 26539891 (cited by Victorian Clinical Genetics Services, Murdoch Childrens Research Institute); PubMed 28687526 (cited by Victorian Clinical Genetics Services, Murdoch Childrens Research Institute); PubMed 34218362 (cited by Victorian Clinical Genetics Services, Murdoch Childrens Research Institute).